The following is an entry in ClinVar:

ClinVar aggregate classification (germline): Pathogenic (1 of 4 stars; one submission).

Conditions:
Familial cancer of breast. Also called: Hereditary breast cancer; BREAST CANCER, FAMILIAL; hereditary breast carcinoma. Identifiers: Orphanet 227535, MedGen C0346153, MONDO:0016419, OMIM 114480. Disease mechanism: loss of function.

Submission:

Myriad Genetics, Inc.
Classification: Pathogenic for Familial cancer of breast. Last evaluated: 2023-01-17. Review status: criteria provided, single submitter. Criteria: Myriad Autosomal Dominant, Autosomal Recessive and X-Linked Classification Criteria (2023). Collection method: clinical testing. Allele origin: unknown.
Comment: This variant is considered pathogenic. This variant creates a frameshift predicted to result in premature protein truncation.

NM_007194.4(CHEK2):c.1321del (p.Thr441fs)

Gene: CHEK2 (checkpoint kinase 2; minus strand). Cytogenetic location: 22q12.1.
Variant type: Deletion.
Coding change: c.1321del on transcript NM_007194.4 (MANE Select); coding-DNA position 1321, one base deleted (A; older notation c.1321delA).
Protein change: p.Thr441fs; shifts the reading frame from threonine 441.
Molecular consequence: frameshift variant.
Genome position (GRCh38, 1-based): chr22:28,695,181, T deleted on the plus strand (A on the coding strand, the reverse complement: CHEK2 is on the minus strand). VCF-style (leftmost placement, unchanged base first): chr22-28695180-GT-G. GRCh37 (hg19) VCF-style: chr22-29091168-GT-G.
Other names: c.1450delA, p.Thr484Profs (NM_001005735.3); c.658delA, p.Thr220Profs (NM_001257387.3); c.1120delA, p.Thr374Profs (NM_001349956.3); c.1234delA, p.Thr412Profs (NM_145862.3); short protein forms T220fs, T374fs, T412fs, T441fs, T484fs.
Identifiers: ClinVar variation 2431311 (VCV002431311.1), dbSNP rs2517796699, ClinGen allele CA2580099415.